The following is an entry in ClinVar:

NM_015631.6(TCTN3):c.940G>T (p.Gly314Ter)

Gene: TCTN3 (tectonic family member 3; minus strand). Cytogenetic location: 10q24.1.
Variant type: single nucleotide variant.
Coding change: c.940G>T on transcript NM_015631.6 (MANE Select); coding-DNA position 940, G replaced by T.
Protein change: p.Gly314Ter; replaces glycine 314 with a stop codon.
Molecular consequence: nonsense. On other transcripts: intron variant (1).
Genome position (GRCh38, 1-based): chr10:95,685,585, C>A on the plus strand (G>T on the coding strand, the complement: TCTN3 is on the minus strand). VCF-style: chr10-95685585-C-A. GRCh37 (hg19) VCF-style: chr10-97445342-C-A.
Other names: c.651+910G>T (NM_001143973.2); c.940G>T (NM_015631.5); short protein forms G314*.
Identifiers: ClinVar variation 1420657 (VCV001420657.10), dbSNP rs793888508, ClinGen allele CA211804304.

ClinVar aggregate classification (germline): Pathogenic/Likely pathogenic. Review status: criteria provided, multiple submitters, no conflicts (2 of 4 stars). 5 submissions from 5 submitters: Pathogenic (4); Likely pathogenic (1). Last evaluated 2026-09-22.

Conditions:
Joubert syndrome 18 (JBTS18). Identifiers: Orphanet 2754, MedGen C3553758, MONDO:0013896, OMIM 614815.
Orofacial-digital syndrome IV (OFD4). Also called: BARAITSER-BURN SYNDROME; OFD SYNDROME WITH TIBIAL DEFECTS; OFD SYNDROME, BARAITSER-BURN TYPE; OFDS IV; ORAL-FACIAL-DIGITAL SYNDROME, TYPE IV; Orofaciodigital syndrome IV. Identifiers: Orphanet 2753, MedGen C0406727, MONDO:0009794, OMIM 258860.
TCTN3-associated ciliopathie.
TCTN3-related disorder. Also called: TCTN3-related condition.
Joubert syndrome and related disorders. Identifiers: Orphanet 140874, MedGen C5679612, MONDO:0015369.

Allele frequency attached by ClinVar (database versions not stated): TOPMed 0.00002; gnomAD 0.00001.
gnomAD v4.1: 3 of 1,551,352 alleles (0.00019%); highest among the groups gnomAD compares: African/African-American, 0.0041%; no homozygotes.

Submissions (5):

PreventionGenetics, part of Exact Sciences
Classification: Pathogenic for TCTN3-related condition. Last evaluated: 2026-09-22. Review status: criteria provided, single submitter. Criteria: ACMG Guidelines, 2015. Collection method: clinical testing. Allele origin: germline.
Comment: The TCTN3 c.940G>T variant is predicted to result in premature protein termination (p.Gly314*). To our knowledge, this variant has not been reported in the literature or in a large population database, indicating this variant is rare. Nonsense variants in TCTN3 are expected to be pathogenic. This variant is interpreted as pathogenic.

MVZ Martinsried, Medicover Genetics
Classification: Pathogenic for TCTN3-associated ciliopathie. Last evaluated: 2026-07-17. Review status: criteria provided, single submitter. Criteria: ClinGen Variant Curation SOP V3.2 + Classification Guidance July2025. Collection method: clinical testing. Allele origin: inherited. Affected: yes. Observed: 1 homozygote.

Labcorp Genetics (formerly Invitae), Labcorp
Classification: Pathogenic for Joubert syndrome 18; Orofacial-digital syndrome IV. Last evaluated: 2024-07-03. Review status: criteria provided, single submitter. Criteria: Invitae Variant Classification Sherloc (09022015). Collection method: clinical testing. Allele origin: germline.
Comment: This sequence change creates a premature translational stop signal (p.Gly314*) in the TCTN3 gene. It is expected to result in an absent or disrupted protein product. Loss-of-function variants in TCTN3 are known to be pathogenic (PMID: 2692869, 22883145, 25118024). This variant is not present in population databases (gnomAD no frequency). This variant has not been reported in the literature in individuals affected with TCTN3-related conditions. ClinVar contains an entry for this variant (Variation ID: 1420657). Algorithms developed to predict the effect of sequence changes on RNA splicing suggest that this variant may disrupt the consensus splice site. For these reasons, this variant has been classified as Pathogenic.

Women's Health and Genetics/Laboratory Corporation of America, LabCorp
Classification: Pathogenic for Joubert syndrome and related disorders. Last evaluated: 2023-12-13. Review status: criteria provided, single submitter. Criteria: LabCorp Variant Classification Summary - May 2015. Collection method: clinical testing. Allele origin: germline.
Comment: Variant summary: TCTN3 c.940G>T (p.Gly314X) results in a premature termination codon, predicted to cause a truncation of the encoded protein or absence of the protein due to nonsense mediated decay, which are commonly known mechanisms for disease. The variant was absent in 156426 control chromosomes. To our knowledge, no occurrence of c.940G>T in individuals affected with Joubert Syndrome And Related Disorders and no experimental evidence demonstrating its impact on protein function have been reported. One submitter has cited clinical-significance assessments for this variant to ClinVar after 2014 and has classified the variant as pathogenic. Based on the evidence outlined above, the variant was classified as pathogenic.

Blueprint Genetics
Classification: Likely pathogenic for TCTN3-related disorders. Last evaluated: 2022-09-12. Review status: criteria provided, single submitter. Criteria: ACMG Guidelines, 2015. Collection method: clinical testing. Allele origin: germline. Affected: yes. Observed: 1 variant allele.

Literature cited by the submitters: PubMed 2692869 (cited by Labcorp Genetics (formerly Invitae), Labcorp); PubMed 22883145 (cited by Labcorp Genetics (formerly Invitae), Labcorp); PubMed 25118024 (cited by Labcorp Genetics (formerly Invitae), Labcorp).